The following is an entry in ClinVar:

ClinVar aggregate classification (germline): Pathogenic (1 of 4 stars; one submission).

Submission:

Labcorp Genetics (formerly Invitae), Labcorp
Classification: Pathogenic. Last evaluated: 2023-01-25. Review status: criteria provided, single submitter. Criteria: Invitae Variant Classification Sherloc (09022015). Collection method: clinical testing. Allele origin: unknown.
Comment: For these reasons, this variant has been classified as Pathogenic. This variant has not been reported in the literature in individuals affected with VPS13A-related conditions. This variant is a gross deletion of the genomic region encompassing exon(s) 11-12 of the VPS13A gene. This deletion is out-of-frame, and is expected to create a premature termination codon and result in an absent or disrupted protein product. Loss-of-function variants in VPS13A are known to be pathogenic (PMID: 12404112, 21598378).

Literature cited by the submitters: PubMed 12404112; PubMed 21598378.

NC_000009.11:g.(?_79834850)_(79835319_?)del

Gene: VPS13A (vacuolar protein sorting 13 homolog A; plus strand). Cytogenetic location: 9q21.2.
Variant type: Deletion.
Identifiers: ClinVar variation 3245374 (VCV003245374.1).